The following is an entry in ClinVar:

ClinVar aggregate classification (germline): Conflicting classifications of pathogenicity. Review status: criteria provided, conflicting classifications (1 of 4 stars). 2 submissions from 2 submitters: Uncertain significance (1); Likely benign (1). Last evaluated 2024-09-11.

Conditions:
Fanconi anemia (FA). Also called: Fanconi's anemia. Identifiers: Orphanet 84, MedGen C0015625, MeSH D005199, MONDO:0019391.
Hereditary cancer. Identifiers: MedGen C1333600.

Submissions (2):

Mendelics
Classification: Likely benign for Hereditary cancer. Last evaluated: 2024-09-11. Review status: criteria provided, single submitter. Criteria: ACMG Guidelines, 2015. Collection method: clinical testing. Allele origin: unknown.
Comment: This variant is considered likely benign or benign based on one or more of the following: it is predicted to be benign by multiple in silico algorithms, and/or has population frequency not consistent with disease, and/or has normal protein function, and/or has lack of segregation with disease, and/or has been detected in co-occurrence with known pathogenic variant, and/or has lack of disease association in case-control studies, and/or is located in a region inconsistent with a known cause of pathogenicity.

Labcorp Genetics (formerly Invitae), Labcorp
Classification: Uncertain significance for Fanconi anemia. Last evaluated: 2022-08-03. Review status: criteria provided, single submitter. Criteria: Invitae Variant Classification Sherloc (09022015). Collection method: clinical testing. Allele origin: germline.
Comment: In summary, the available evidence is currently insufficient to determine the role of this variant in disease. Therefore, it has been classified as a Variant of Uncertain Significance. Algorithms developed to predict the effect of missense changes on protein structure and function output the following: SIFT: "Tolerated"; PolyPhen-2: "Benign"; Align-GVGD: "Class C0". The glutamic acid amino acid residue is found in multiple mammalian species, which suggests that this missense change does not adversely affect protein function. This variant has not been reported in the literature in individuals affected with FANCM-related conditions. This variant is not present in population databases (gnomAD no frequency). This sequence change replaces glutamine, which is neutral and polar, with glutamic acid, which is acidic and polar, at codon 714 of the FANCM protein (p.Gln714Glu).

NM_020937.4(FANCM):c.2140C>G (p.Gln714Glu)

Gene: FANCM (FA complementation group M; plus strand). Cytogenetic location: 14q21.2.
Variant type: single nucleotide variant.
Coding change: c.2140C>G on transcript NM_020937.4 (MANE Select); coding-DNA position 2140, C replaced by G.
Protein change: p.Gln714Glu; replaces glutamine 714 with glutamic acid.
Molecular consequence: missense variant.
Genome position (GRCh38, 1-based): chr14:45,170,726, C>G. VCF-style: chr14-45170726-C-G. GRCh37 (hg19) VCF-style: chr14-45639929-C-G.
Other names: c.2062C>G, p.Gln688Glu (NM_001308133.2); short protein forms Q688E, Q714E.
Identifiers: ClinVar variation 2159266 (VCV002159266.5), dbSNP rs1291848804, ClinGen allele CA389596338.